The following is an entry in ClinVar:

ClinVar aggregate classification (germline): Uncertain significance. Review status: criteria provided, multiple submitters, no conflicts (2 of 4 stars). 4 submissions from 4 submitters: Uncertain significance (4). Last evaluated 2025-11-16.

Allele frequency attached by ClinVar (database versions not stated): TOPMed 0.00001.
gnomAD v4.1: 1 of 1,597,004 alleles (0.000063%); no homozygotes.

Submissions (4):

Labcorp Genetics (formerly Invitae), Labcorp
Classification: Uncertain significance. Last evaluated: 2025-11-16. Review status: criteria provided, single submitter. Criteria: Invitae Variant Classification Sherloc (09022015). Collection method: clinical testing. Allele origin: germline.
Comment: This sequence change replaces alanine, which is neutral and non-polar, with valine, which is neutral and non-polar, at codon 565 of the RECQL protein (p.Ala565Val). This variant is not present in population databases (gnomAD no frequency). This variant has not been reported in the literature in individuals affected with RECQL-related conditions. ClinVar contains an entry for this variant (Variation ID: 1046150). Invitae Evidence Modeling of protein sequence and biophysical properties (such as structural, functional, and spatial information, amino acid conservation, physicochemical variation, residue mobility, and thermodynamic stability) indicates that this missense variant is not expected to disrupt RECQL protein function with a negative predictive value of 80%. In summary, the available evidence is currently insufficient to determine the role of this variant in disease. Therefore, it has been classified as a Variant of Uncertain Significance.

Ambry Genetics
Classification: Uncertain significance. Last evaluated: 2024-10-14. Review status: criteria provided, single submitter. Criteria: Ambry Variant Classification Scheme 2023. Collection method: clinical testing. Allele origin: germline.
Comment: The p.A565V variant (also known as c.1694C>T), located in coding exon 13 of the RECQL gene, results from a C to T substitution at nucleotide position 1694. The alanine at codon 565 is replaced by valine, an amino acid with similar properties. This amino acid position is well conserved in available vertebrate species. In addition, this alteration is predicted to be tolerated by in silico analysis. The evidence for this gene-disease relationship is limited; therefore, the clinical significance of this alteration is unclear.

GeneDx
Classification: Uncertain significance. Last evaluated: 2023-06-12. Review status: criteria provided, single submitter. Criteria: GeneDx Variant Classification Process June 2021. Collection method: clinical testing. Allele origin: germline. Affected: yes.
Comment: Not observed in large population cohorts (gnomAD); In silico analysis supports that this missense variant has a deleterious effect on protein structure/function; Has not been previously published as pathogenic or benign to our knowledge; Variants in candidate genes are classified as variants of uncertain significance in accordance with ACMG guidelines (Richards et al., 2015); This variant is associated with the following publications: (PMID: 27248010, 19151156, 23396353, 30188893)

Quest Diagnostics Nichols Institute San Juan Capistrano
Classification: Uncertain significance. Last evaluated: 2022-10-12. Review status: criteria provided, single submitter. Criteria: Quest Diagnostics criteria. Collection method: clinical testing. Allele origin: unknown.
Comment: It has not been reported in large, multi-ethnic general populations. In the published literature, the variant has been reported in a large scale breast cancer association study, the variant was observed in control individuals and not among the breast cancer cases (PMID: 33471991 (2021), see also LOVD). Analysis of this variant using bioinformatics tools for the prediction of the effect of amino acid changes on protein structure and function yielded conflicting predictions that this variant is benign or damaging. Based on the available information, we are unable to determine the clinical significance of this variant.

Literature cited by the submitters: PubMed 33471991 (cited by Quest Diagnostics Nichols Institute San Juan Capistrano).

NM_002907.4(RECQL):c.1694C>T (p.Ala565Val)

Genes: PYROXD1 (pyridine nucleotide-disulphide oxidoreductase domain 1; plus strand), RECQL (RecQ like helicase; minus strand). Cytogenetic location: 12p12.1.
Variant type: single nucleotide variant.
Coding change: c.1694C>T on transcript NM_002907.4 (MANE Select); coding-DNA position 1694, C replaced by T.
Protein change: p.Ala565Val; replaces alanine 565 with valine.
Molecular consequence: missense variant. On other transcripts: 3 prime UTR variant (3).
Genome position (GRCh38, 1-based): chr12:21,471,072, G>A on the plus strand (C>T on the coding strand, the complement: RECQL is on the minus strand). VCF-style: chr12-21471072-G-A. GRCh37 (hg19) VCF-style: chr12-21624006-G-A.
Other names: c.1694C>T, p.Ala565Val (NM_032941.3); c.*2318G>A (NM_001350912.2, NM_001350913.2, NM_024854.5); short protein forms A565V.
Identifiers: ClinVar variation 1046150 (VCV001046150.13), dbSNP rs1248986058, ClinGen allele CA384114697.